The following continues an entry in ClinVar:

NM_000277.3(PAH):c.722G>A (p.Arg241His)

Gene: PAH. ClinVar aggregate classification (germline): Pathogenic. Pathogenic (1).

Submissions 14 to 19 of 19:

Myriad Genetics, Inc.
Classification: Pathogenic for Phenylketonuria. Last evaluated: 2019-12-20. Review status: criteria provided, single submitter. Criteria: Myriad Women's Health Autosomal Recessive and X-Linked Classification Criteria (2019). Collection method: clinical testing. Allele origin: unknown. Not counted in ClinVar's aggregate classification.
Comment: NM_000277.1(PAH):c.722G>A(R241H) is classified as pathogenic in the context of phenylalanine hydroxylase deficiency and can be associated with variant or non-PKU HPA. Sources cited for classification include the following: PMID 17924342, 8659548, 23932990, 17096675, 24350308, 9634518, 21871829, 15171997, 10598814, 12655554, 19062537, 12655553, 18294361, 9429153, 18299955, 17935162 and 8268925. Classification of NM_000277.1(PAH):c.722G>A(R241H) is based on the following criteria: This is a well-established pathogenic variant in the literature that has been observed more frequently in patients with clinical diagnoses than in healthy populations. Please note: this variant was assessed in the context of healthy population screening.

Women's Health and Genetics/Laboratory Corporation of America, LabCorp
Classification: Pathogenic for Phenylketonuria. Last evaluated: 2016-10-27. Review status: criteria provided, single submitter. Criteria: LabCorp Variant Classification Summary - May 2015. Collection method: clinical testing. Allele origin: germline. Not counted in ClinVar's aggregate classification.
Comment: Variant summary: The PAH c.722G>A (p.Arg241His) variant involves the alteration of a conserved nucleotide. 5/5 in silico tools predict a damaging outcome for this variant. This variant was found in 12/121068 control chromosomes at a frequency of 0.0000991, which does not exceed the estimated maximal expected allele frequency of a pathogenic PAH variant (0.0079057). The variant has been reported in numerous affected individuals from various ethnicities, and has been shown experimentally to have 25% activity compared to wild-type. In addition, multiple clinical diagnostic laboratories/reputable databases classified this variant as pathogenic. Taken together, this variant is classified as pathogenic.

Quest Diagnostics Nichols Institute San Juan Capistrano
Classification: Pathogenic. Last evaluated: 2016-10-12. Review status: criteria provided, single submitter. Criteria: Quest Diagnostics criteria. Collection method: clinical testing. Allele origin: germline. Not counted in ClinVar's aggregate classification.

Juno Genomics, Hangzhou Juno Genomics, Inc
Classification: Pathogenic for Phenylketonuria. Review status: criteria provided, single submitter. Criteria: ACMG Guidelines, 2015. Collection method: clinical testing. Allele origin: germline. Not counted in ClinVar's aggregate classification.
Comment: Well-established in vitro or in vivo functional studies supportive of a damaging effect on the gene or gene product.;Multiple lines of computational evidence support a deleterious effect on the gene or gene product.;For recessive disorders, detected in trans with a pathogenic variant.;Patient's phenotype or family history is highly specific for a disease with a single genetic etiology.;Novel missense change at an amino acid residue where a different missense change determined to be pathogenic has been seen before.

DeBelle Laboratory for Biochemical Genetics, MUHC/MCH RESEARCH INSTITUTE
No classification provided. Review status: no classification provided. Collection method: not provided. Allele origin: not provided. Not counted in ClinVar's aggregate classification.

Medical Laboratory Center, Huzhou Maternal and Child Health Hospital
Classification: Pathogenic for Phenylketonuria. Review status: no assertion criteria provided. Collection method: research. Allele origin: germline. Not counted in ClinVar's aggregate classification.

Literature cited by the submitters: PubMed 9429153 (cited by 3 submitters); PubMed 8268925 (cited by ClinGen PAH Variant Curation Expert Panel and Myriad Genetics, Inc.); PubMed 10479481 (cited by 3 submitters); PubMed 22330942 (cited by 3 submitters); PubMed 25894915 (cited by Labcorp Genetics (formerly Invitae), Labcorp); PubMed 26600521 (cited by Labcorp Genetics (formerly Invitae), Labcorp and Ambry Genetics); PubMed 8222245 (cited by Labcorp Genetics (formerly Invitae), Labcorp); PubMed 14681498 (cited by Labcorp Genetics (formerly Invitae), Labcorp); PubMed 16253218 (cited by Labcorp Genetics (formerly Invitae), Labcorp); PubMed 18985011 (cited by Labcorp Genetics (formerly Invitae), Labcorp); PubMed 19915519 (cited by Labcorp Genetics (formerly Invitae), Labcorp); PubMed 24368688 (cited by Labcorp Genetics (formerly Invitae), Labcorp); PubMed 25456745 (cited by Natera, Inc.); PubMed 30050108 (cited by Natera, Inc.); PubMed 12655554 (cited by Ambry Genetics and Myriad Genetics, Inc.); PubMed 18299955 (cited by Ambry Genetics and Myriad Genetics, Inc.); PubMed 21871829 (cited by Ambry Genetics and Myriad Genetics, Inc.); PubMed 23932990 (cited by Ambry Genetics and Myriad Genetics, Inc.); PubMed 24941924 (cited by Ambry Genetics); PubMed 31355225 (cited by Ambry Genetics); PubMed 33375644 (cited by Ambry Genetics); PubMed 33465300 (cited by Ambry Genetics); PubMed 34828281 (cited by Ambry Genetics); PubMed 17924342 (cited by Myriad Genetics, Inc.); PubMed 8659548 (cited by Myriad Genetics, Inc.); PubMed 17096675 (cited by Myriad Genetics, Inc.); PubMed 24350308 (cited by Myriad Genetics, Inc. and Women's Health and Genetics/Laboratory Corporation of America, LabCorp); PubMed 9634518 (cited by Myriad Genetics, Inc. and Quest Diagnostics Nichols Institute San Juan Capistrano); PubMed 15171997 (cited by Myriad Genetics, Inc.); PubMed 10598814 (cited by Myriad Genetics, Inc.); PubMed 19062537 (cited by Myriad Genetics, Inc.); PubMed 12655553 (cited by Myriad Genetics, Inc. and Women's Health and Genetics/Laboratory Corporation of America, LabCorp); PubMed 18294361 (cited by Myriad Genetics, Inc.); PubMed 17935162 (cited by Myriad Genetics, Inc. and Quest Diagnostics Nichols Institute San Juan Capistrano); PubMed 26503515 (cited by Women's Health and Genetics/Laboratory Corporation of America, LabCorp); PubMed 26666653 (cited by Women's Health and Genetics/Laboratory Corporation of America, LabCorp); PubMed 25596310 (cited by Quest Diagnostics Nichols Institute San Juan Capistrano); PubMed 25087612 (cited by Quest Diagnostics Nichols Institute San Juan Capistrano); PubMed 27121329 (cited by Quest Diagnostics Nichols Institute San Juan Capistrano).